The following is an entry in ClinVar:

NM_015909.4(NBAS):c.2056C>T (p.Arg686Trp)

Gene: NBAS (NBAS subunit of NRZ tethering complex; minus strand). Cytogenetic location: 2p24.3.
Variant type: single nucleotide variant.
Coding change: c.2056C>T on transcript NM_015909.4 (MANE Select); coding-DNA position 2056, C replaced by T.
Protein change: p.Arg686Trp; replaces arginine 686 with tryptophan.
Molecular consequence: missense variant. On other transcripts: non-coding transcript variant (1).
Genome position (GRCh38, 1-based): chr2:15,467,370, G>A on the plus strand (C>T on the coding strand, the complement: NBAS is on the minus strand). VCF-style: chr2-15467370-G-A. GRCh37 (hg19) VCF-style: chr2-15607494-G-A.
Other names: c.2056C>T (NM_015909.3); short protein forms R686W.
Identifiers: ClinVar variation 1018662 (VCV001018662.8), dbSNP rs141724661, ClinGen allele CA1536476.
Genomic context (GRCh38, chr2:15,467,370, plus strand): 5'-GACAAAAATTATTCATTACCTCATATGTTGCAAGTCGATCTAAGTAGGTTAATAACTTCC[G>A]TCTACAACGGCAAAGTTCCTTTTGTTCCAGTGTCAACCTGTTTTGAATAACTATGTTAGG-3'
Protein context (NP_056993.2, residues 676-696): LEQKELCRCR[Arg686Trp]KLLTYLDRLA

ClinVar aggregate classification (germline): Conflicting classifications of pathogenicity. Review status: criteria provided, conflicting classifications (1 of 4 stars). 2 submissions from 2 submitters: Uncertain significance (1); Likely benign (1). Last evaluated 2026-09-14.

Conditions:
NBAS-related disorder. Also called: NBAS-related condition.

Allele frequency attached by ClinVar (database versions not stated): 1000 Genomes Project 30x 0.00016; ExAC 0.00017; gnomAD exomes 0.00019 and 0.00025; 1000 Genomes Project 0.00020; ESP Exome Variant Server 0.00023; gnomAD 0.00060; TOPMed 0.00111.
gnomAD v4.1: 476 of 1,613,476 alleles (0.03%); highest among the groups gnomAD compares: Admixed American, 0.15%; no homozygotes.

Submissions (2):

PreventionGenetics, part of Exact Sciences
Classification: Uncertain significance for NBAS-related condition. Last evaluated: 2026-09-14. Review status: criteria provided, single submitter. Criteria: ACMG Guidelines, 2015. Collection method: clinical testing. Allele origin: germline.
Comment: The NBAS c.2056C>T variant is predicted to result in the amino acid substitution p.Arg686Trp. To our knowledge, this variant has not been reported in the literature. This variant is reported in 0.031% of alleles in individuals of Latino descent in gnomAD. At this time, the clinical significance of this variant is uncertain due to the absence of conclusive functional and genetic evidence.

Labcorp Genetics (formerly Invitae), Labcorp
Classification: Likely benign. Last evaluated: 2026-01-25. Review status: criteria provided, single submitter. Criteria: Invitae Variant Classification Sherloc (09022015). Collection method: clinical testing. Allele origin: germline.